The following is an entry in ClinVar:

ClinVar aggregate classification (germline): Uncertain significance (1 of 4 stars; one submission).

Conditions:
Hereditary cancer-predisposing syndrome. Also called: Hereditary Cancer Syndrome; Hereditary neoplastic syndrome; Tumor predisposition; Neoplastic Syndromes, Hereditary. Identifiers: Orphanet 140162, MedGen C0027672, MeSH D009386, MONDO:0015356.

Submission:

Ambry Genetics
Classification: Uncertain significance for Hereditary cancer-predisposing syndrome. Last evaluated: 2021-07-23. Review status: criteria provided, single submitter. Criteria: Ambry Variant Classification Scheme 2023. Collection method: clinical testing. Allele origin: germline.
Comment: The p.K79E variant (also known as c.235A>G), located in coding exon 2 of the NF2 gene, results from an A to G substitution at nucleotide position 235. The lysine at codon 79 is replaced by glutamic acid, an amino acid with similar properties. Functional studies have demonstrated that this variant may affect cell adhesion or growth regulation; however, the clinical relevance of these findings is unclear (Stokowski RP et al. Am J Hum Genet, 2000 Mar;66:873-91; Gutmann DH et al. Hum Mol Genet, 2001 Jul;10:1519-29). This amino acid position is highly conserved in available vertebrate species. In addition, this alteration is predicted to be deleterious by in silico analysis. Since supporting evidence is limited at this time, the clinical significance of this alteration remains unclear.

Literature cited by the submitters: PubMed 10712203; PubMed 11448944; PubMed 11856822; PubMed 31296571.

NM_000268.4(NF2):c.235A>G (p.Lys79Glu)

Gene: NF2 (NF2, moesin-ezrin-radixin like (MERLIN) tumor suppressor; plus strand). Cytogenetic location: 22q12.2.
Variant type: single nucleotide variant.
Coding change: c.235A>G on transcript NM_000268.4 (MANE Select); coding-DNA position 235, A replaced by G.
Protein change: p.Lys79Glu; replaces lysine 79 with glutamic acid.
Molecular consequence: missense variant. On other transcripts: non-coding transcript variant (1), intron variant (3).
Genome position (GRCh38, 1-based): chr22:29,636,871, A>G. VCF-style: chr22-29636871-A-G. GRCh37 (hg19) VCF-style: chr22-30032860-A-G.
Other names: c.121A>G, p.Lys41Glu (NM_001407053.1, NM_001407056.1); c.235A>G, p.Lys79Glu (NM_001407054.1, NM_001407057.1, NM_001407058.1 and 9 more transcripts); c.-406A>G (NM_001407065.1); c.-22A>G (NM_001407067.1); c.115-2219A>G (NM_181828.3); c.115-5331A>G (NM_181830.3, NM_181831.3); short protein forms K41E, K79E.
Identifiers: ClinVar variation 1790124 (VCV001790124.2), dbSNP rs2146854839, ClinGen allele CA411152692.